The following is an entry in ClinVar:

ClinVar aggregate classification (germline): Pathogenic (1 of 4 stars; one submission).

Submission:

Labcorp Genetics (formerly Invitae), Labcorp
Classification: Pathogenic. Last evaluated: 2025-07-30. Review status: criteria provided, single submitter. Criteria: Invitae Variant Classification Sherloc (09022015). Collection method: clinical testing. Allele origin: germline.
Comment: This sequence change creates a premature translational stop signal (p.Glu894Valfs*109) in the CDAN1 gene. It is expected to result in an absent or disrupted protein product. Loss-of-function variants in CDAN1 are known to be pathogenic (PMID: 16098079, 16141353). This variant is present in population databases (rs750630547, gnomAD 0.01%). This premature translational stop signal has been observed in individual(s) with congenital dyserythropoietic anemia type I (PMID: 32518175). Algorithms developed to predict the effect of sequence changes on RNA splicing suggest that this variant may disrupt the consensus splice site. For these reasons, this variant has been classified as Pathogenic.

Literature cited by the submitters: PubMed 16098079; PubMed 16141353; PubMed 32518175.

NM_138477.4(CDAN1):c.2681_2682del (p.Glu894fs)

Gene: CDAN1 (codanin 1; minus strand). Cytogenetic location: 15q15.2.
Variant type: Microsatellite.
Coding change: c.2681_2682del on transcript NM_138477.4 (MANE Select); coding-DNA positions 2681 to 2682, 2 bases deleted (AG; older notation c.2681_2682delAG).
Protein change: p.Glu894fs; shifts the reading frame from glutamic acid 894.
Molecular consequence: frameshift variant.
Genome position (GRCh38, 1-based): chr15:42,728,774-42,728,775, CT deleted on the plus strand (AG on the coding strand, the reverse complement: CDAN1 is on the minus strand); deleting any 2 consecutive bases within chr15:42,728,774-42,728,777 gives the same sequence; the c. name uses the placement nearest the transcript's 3' end. VCF-style (leftmost placement, unchanged base first): chr15-42728773-ACT-A. GRCh37 (hg19) VCF-style: chr15-43020971-ACT-A.
Other names: short protein forms E894fs.
Identifiers: ClinVar variation 3616156 (VCV003616156.2).